The following is an entry in ClinVar:

ClinVar aggregate classification (germline): Uncertain significance (1 of 4 stars; one submission).

Conditions:
Inborn genetic diseases. Identifiers: MedGen C0950123, MeSH D030342.

gnomAD v4.1: 1 of 1,612,852 alleles (0.000062%); highest among the groups gnomAD compares: Non-Finnish European, 0.000085%; no homozygotes.

Submission:

Ambry Genetics
Classification: Uncertain significance for Inborn genetic diseases. Last evaluated: 2024-12-02. Review status: criteria provided, single submitter. Criteria: Ambry Variant Classification Scheme 2023. Collection method: clinical testing. Allele origin: germline.
Comment: The p.A34G variant (also known as c.101C>G), located in coding exon 1 of the ANKRD26 gene, results from a C to G substitution at nucleotide position 101. The alanine at codon 34 is replaced by glycine, an amino acid with similar properties. This amino acid position is conserved. In addition, this alteration is predicted to be tolerated by in silico analysis. Based on the available evidence, the clinical significance of this variant remains unclear.

NM_014915.3(ANKRD26):c.101C>G (p.Ala34Gly)

Genes: ANKRD26 (ankyrin repeat domain containing 26; minus strand), LOC130003554 (ATAC-STARR-seq lymphoblastoid silent region 2243; plus strand). Cytogenetic location: 10p12.1.
Variant type: single nucleotide variant.
Coding change: c.101C>G on transcript NM_014915.3 (MANE Select); coding-DNA position 101, C replaced by G.
Protein change: p.Ala34Gly; replaces alanine 34 with glycine.
Molecular consequence: missense variant.
Genome position (GRCh38, 1-based): chr10:27,100,226, G>C on the plus strand (C>G on the coding strand, the complement: ANKRD26 is on the minus strand). VCF-style: chr10-27100226-G-C. GRCh37 (hg19) VCF-style: chr10-27389155-G-C.
Other names: c.101C>G, p.Ala34Gly (NM_001256053.2); short protein forms A34G.
Identifiers: ClinVar variation 3397074 (VCV003397074.1).
Genomic context (GRCh38, chr10:27,100,226, plus strand): 5'-GCAGCTTTGTGGATCTTGCCGAGATCTCGGTCTCGGACGTGGTAGCCGGGCTGCGAGTAG[G>C]CGCCCTCCCCCGGCTCGCCCCCGCCTCCCGCGCTGCTCCTCTGCCGCCGCGCGAAGGAGC-3'
Protein context (NP_055730.2, residues 24-44): AGGGGEPGEG[Ala34Gly]YSQPGYHVRD